The following is an entry in ClinVar:

ClinVar aggregate classification (germline): Uncertain significance (1 of 4 stars; one submission).

Conditions:
RYR1-related disorder. Also called: RYR1-related condition; RYR1-related disorders. Identifiers: MedGen CN239331.

Submission:

Labcorp Genetics (formerly Invitae), Labcorp
Classification: Uncertain significance for RYR1-related disorder. Last evaluated: 2020-11-13. Review status: criteria provided, single submitter. Criteria: Invitae Variant Classification Sherloc (09022015). Collection method: clinical testing. Allele origin: germline.
Comment: This sequence change replaces aspartic acid with alanine at codon 2909 of the RYR1 protein (p.Asp2909Ala). The aspartic acid residue is highly conserved and there is a moderate physicochemical difference between aspartic acid and alanine. Algorithms developed to predict the effect of missense changes on protein structure and function are either unavailable or do not agree on the potential impact of this missense change (SIFT: "Deleterious"; PolyPhen-2: "Benign"; Align-GVGD: "Class C0"). In summary, the available evidence is currently insufficient to determine the role of this variant in disease. Therefore, it has been classified as a Variant of Uncertain Significance. This variant has not been reported in the literature in individuals with RYR1-related conditions. This variant is not present in population databases (ExAC no frequency).

NM_000540.3(RYR1):c.8726A>C (p.Asp2909Ala)

Gene: RYR1 (ryanodine receptor 1; plus strand). Cytogenetic location: 19q13.2.
Variant type: single nucleotide variant.
Coding change: c.8726A>C on transcript NM_000540.3 (MANE Select); coding-DNA position 8726, A replaced by C.
Protein change: p.Asp2909Ala; replaces aspartic acid 2909 with alanine.
Molecular consequence: missense variant.
Genome position (GRCh38, 1-based): chr19:38,506,862, A>C. VCF-style: chr19-38506862-A-C. GRCh37 (hg19) VCF-style: chr19-38997502-A-C.
Other names: c.8726A>C, p.Asp2909Ala (NM_001042723.2); short protein forms D2909A.
Identifiers: ClinVar variation 1051714 (VCV001051714.9), dbSNP rs2145638301, ClinGen allele CA405680851.